The following is an entry in ClinVar:

NM_001267550.2(TTN):c.7107G>A (p.Glu2369=)

Genes: TTN (titin; minus strand), LOC126806433 (BRD4-independent group 4 enhancer GRCh37_chr2:179638309-179639508; plus strand). Cytogenetic location: 2q31.2.
Variant type: single nucleotide variant.
Coding change: c.7107G>A on transcript NM_001267550.2 (MANE Select); coding-DNA position 7107, G replaced by A.
Protein change: p.Glu2369=; no amino-acid change (glutamic acid 2369 retained).
Molecular consequence: synonymous variant.
Genome position (GRCh38, 1-based): chr2:178,774,061, C>T on the plus strand (G>A on the coding strand, the complement: TTN is on the minus strand). VCF-style: chr2-178774061-C-T. GRCh37 (hg19) VCF-style: chr2-179638788-C-T.
Other names: c.7107G>A, p.Glu2369= (NM_001256850.1, NM_133378.4, NM_133379.5); c.6969G>A, p.Glu2323= (NM_003319.4, NM_133432.3, NM_133437.4).
Identifiers: ClinVar variation 1080726 (VCV001080726.34), dbSNP rs2154344970, ClinGen allele CA430299968.

ClinVar aggregate classification (germline): Likely benign. Review status: criteria provided, multiple submitters, no conflicts (2 of 4 stars). 2 submissions from 2 submitters: Likely benign (2). Last evaluated 2024-03-01.

Conditions:
Autosomal recessive limb-girdle muscular dystrophy type 2J (LGMDR10). Also called: Limb-girdle muscular dystrophy, type 2J; MUSCULAR DYSTROPHY, LIMB-GIRDLE, AUTOSOMAL RECESSIVE 10. Identifiers: Orphanet 140922, MedGen C1837342, MONDO:0012127, OMIM 608807.
Dilated cardiomyopathy 1G (CMD1G). Identifiers: Orphanet 154, MedGen C1858763, MONDO:0011400, OMIM 604145.

gnomAD v4.1: 1 of 1,614,066 alleles (0.000062%); highest among the groups gnomAD compares: Non-Finnish European, 0.000085%; no homozygotes.

Submissions (2):

CeGaT Center for Human Genetics Tuebingen
Classification: Likely benign. Last evaluated: 2024-03-01. Review status: criteria provided, single submitter. Criteria: CeGaT Center For Human Genetics Tuebingen Variant Classification Criteria Version 2. Collection method: clinical testing. Allele origin: germline. Affected: yes. Observed: 1 variant allele.
Comment: TTN: PM2:Supporting, BP4, BP7

Labcorp Genetics (formerly Invitae), Labcorp
Classification: Likely benign for Dilated cardiomyopathy 1G; Autosomal recessive limb-girdle muscular dystrophy type 2J. Last evaluated: 2022-07-19. Review status: criteria provided, single submitter. Criteria: Invitae Variant Classification Sherloc (09022015). Collection method: clinical testing. Allele origin: germline.